The following is an entry in ClinVar:

NM_003579.4(RAD54L):c.79C>A (p.Pro27Thr)

Gene: RAD54L (RAD54 like; plus strand). Cytogenetic location: 1p34.1.
Variant type: single nucleotide variant.
Coding change: c.79C>A on transcript NM_003579.4 (MANE Select); coding-DNA position 79, C replaced by A.
Protein change: p.Pro27Thr; replaces proline 27 with threonine.
Molecular consequence: missense variant. On other transcripts: 5 prime UTR variant (1).
Genome position (GRCh38, 1-based): chr1:46,248,587, C>A. VCF-style: chr1-46248587-C-A. GRCh37 (hg19) VCF-style: chr1-46714259-C-A.
Other names: c.79C>A, p.Pro27Thr (NM_001142548.2); c.-462C>A (NM_001370766.1); short protein forms P27T.
Identifiers: ClinVar variation 1761566 (VCV001761566.2), dbSNP rs1410796512, ClinGen allele CA340174773.

ClinVar aggregate classification (germline): Uncertain significance (1 of 4 stars; one submission).

Allele frequency attached by ClinVar (database versions not stated): TOPMed below 0.00001; gnomAD 0.00001.
gnomAD v4.1: 3 of 1,614,022 alleles (0.00019%); highest among the groups gnomAD compares: African/African-American, 0.0027%; no homozygotes.

Submission:

Ambry Genetics
Classification: Uncertain significance. Last evaluated: 2022-08-03. Review status: criteria provided, single submitter. Criteria: Ambry Variant Classification Scheme 2023. Collection method: clinical testing. Allele origin: germline.
Comment: The p.P27T variant (also known as c.79C>A), located in coding exon 2 of the RAD54L gene, results from a C to A substitution at nucleotide position 79. The proline at codon 27 is replaced by threonine, an amino acid with highly similar properties. This amino acid position is conserved. In addition, the in silico prediction for this alteration is inconclusive. Since supporting evidence is limited at this time, the clinical significance of this alteration remains unclear.